The following is an entry in ClinVar:

NM_002907.4(RECQL):c.1246T>G (p.Leu416Val)

Gene: RECQL (RecQ like helicase; minus strand). Cytogenetic location: 12p12.1.
Variant type: single nucleotide variant.
Coding change: c.1246T>G on transcript NM_002907.4 (MANE Select); coding-DNA position 1246, T replaced by G.
Protein change: p.Leu416Val; replaces leucine 416 with valine.
Molecular consequence: missense variant.
Genome position (GRCh38, 1-based): chr12:21,474,950, A>C on the plus strand (T>G on the coding strand, the complement: RECQL is on the minus strand). VCF-style: chr12-21474950-A-C. GRCh37 (hg19) VCF-style: chr12-21627884-A-C.
Other names: c.1246T>G, p.Leu416Val (NM_032941.3); c.1246T>G (NM_002907.3); short protein forms L416V.
Identifiers: ClinVar variation 3016071 (VCV003016071.5), dbSNP rs756497057, ClinGen allele CA384118840.
Genomic context (GRCh38, chr12:21,474,950, plus strand): 5'-CCACATTTTCCATCACCACCATTGAACTTATTCTGAATATATCTCCAAAGCCGTAGTACA[A>C]AATACAGTCTGCTTTCATGTCATCTCGACCTGTGGTGTGAGAAACCTTGAGATTGCAGAA-3'
Protein context (NP_002898.2, residues 406-426): GRDDMKADCI[Leu416Val]YYGFGDIFRI

ClinVar aggregate classification (germline): Uncertain significance. Review status: criteria provided, multiple submitters, no conflicts (2 of 4 stars). 2 submissions from 2 submitters: Uncertain significance (2). Last evaluated 2025-11-30.

Submissions (2):

Ambry Genetics
Classification: Uncertain significance. Last evaluated: 2025-11-30. Review status: criteria provided, single submitter. Criteria: Ambry Variant Classification Scheme 2023. Collection method: clinical testing. Allele origin: germline.
Comment: The p.L416V variant (also known as c.1246T>G), located in coding exon 10 of the RECQL gene, results from a T to G substitution at nucleotide position 1246. The leucine at codon 416 is replaced by valine, an amino acid with highly similar properties. This amino acid position is conserved. In addition, this alteration is predicted to be tolerated by in silico analysis. Since supporting evidence is limited at this time, the clinical significance of this alteration remains unclear.

Labcorp Genetics (formerly Invitae), Labcorp
Classification: Uncertain significance. Last evaluated: 2023-05-20. Review status: criteria provided, single submitter. Criteria: Invitae Variant Classification Sherloc (09022015). Collection method: clinical testing. Allele origin: germline.
Comment: This sequence change replaces leucine, which is neutral and non-polar, with valine, which is neutral and non-polar, at codon 416 of the RECQL protein (p.Leu416Val). This variant is not present in population databases (gnomAD no frequency). This variant has not been reported in the literature in individuals affected with RECQL-related conditions. Advanced modeling of protein sequence and biophysical properties (such as structural, functional, and spatial information, amino acid conservation, physicochemical variation, residue mobility, and thermodynamic stability) performed at Invitae indicates that this missense variant is not expected to disrupt RECQL protein function. In summary, the available evidence is currently insufficient to determine the role of this variant in disease. Therefore, it has been classified as a Variant of Uncertain Significance.